The following is an entry in ClinVar:

NM_000312.4(PROC):c.881G>A (p.Ser294Asn)

Gene: PROC (protein C, inactivator of coagulation factors Va and VIIIa; plus strand). Cytogenetic location: 2q14.3.
Variant type: single nucleotide variant.
Coding change: c.881G>A on transcript NM_000312.4 (MANE Select); coding-DNA position 881, G replaced by A.
Protein change: p.Ser294Asn; replaces serine 294 with asparagine.
Molecular consequence: missense variant.
Genome position (GRCh38, 1-based): chr2:127,428,441, G>A. VCF-style: chr2-127428441-G-A. GRCh37 (hg19) VCF-style: chr2-128186017-G-A.
Other names: c.1064G>A, p.Ser355Asn (NM_001375602.1); c.1046G>A, p.Ser349Asn (NM_001375603.1); c.944G>A, p.Ser315Asn (NM_001375604.1); c.983G>A, p.Ser328Asn (NM_001375605.1); c.1049G>A, p.Ser350Asn (NM_001375606.1); c.1067G>A, p.Ser356Asn (NM_001375607.1); c.824G>A, p.Ser275Asn (NM_001375608.1); c.857G>A, p.Ser286Asn (NM_001375609.1); and 2 more; short protein forms S315N, S356N, S275N, S294N, S355N, S286N, S292N, S328N.
Identifiers: ClinVar variation 1482679 (VCV001482679.8), dbSNP rs200721675, ClinGen allele CA1859478.

ClinVar aggregate classification (germline): Uncertain significance. Review status: criteria provided, multiple submitters, no conflicts (2 of 4 stars). 2 submissions from 2 submitters: Uncertain significance (2). Last evaluated 2025-11-25.

Conditions:
Thrombophilia due to protein C deficiency, autosomal recessive. Also called: PROC DEFICIENCY, AUTOSOMAL RECESSIVE; PROTEIN C DEFICIENCY, AUTOSOMAL RECESSIVE. Identifiers: Orphanet 745, MedGen C2676759, MONDO:0012860, OMIM 612304.
Thrombophilia due to protein C deficiency, autosomal dominant. Also called: PROC DEFICIENCY, AUTOSOMAL DOMINANT; PROTEIN C DEFICIENCY, AUTOSOMAL DOMINANT. Identifiers: Orphanet 745, MedGen C2674321, MONDO:0008316, OMIM 176860. Disease mechanism: loss of function.

Allele frequency attached by ClinVar (database versions not stated): ExAC 0.00001; gnomAD 0.00001; TOPMed 0.00001; gnomAD exomes 0.00003.
gnomAD v4.1: 55 of 1,614,050 alleles (0.0034%); highest among the groups gnomAD compares: Non-Finnish European, 0.0044%; no homozygotes.

Submissions (2):

Labcorp Genetics (formerly Invitae), Labcorp
Classification: Uncertain significance for Thrombophilia due to protein C deficiency, autosomal dominant. Last evaluated: 2025-11-25. Review status: criteria provided, single submitter. Criteria: Invitae Variant Classification Sherloc (09022015). Collection method: clinical testing. Allele origin: germline.
Comment: This sequence change replaces serine, which is neutral and polar, with asparagine, which is neutral and polar, at codon 294 of the PROC protein (p.Ser294Asn). This variant is present in population databases (rs200721675, gnomAD 0.006%). This missense change has been observed in individual(s) with protein C deficiency (PMID: 8324221). It has also been observed to segregate with disease in related individuals. This variant is also known as Ser 252 to Asn. ClinVar contains an entry for this variant (Variation ID: 1482679). Invitae Evidence Modeling of protein sequence and biophysical properties (such as structural, functional, and spatial information, amino acid conservation, physicochemical variation, residue mobility, and thermodynamic stability) indicates that this missense variant is not expected to disrupt PROC protein function with a negative predictive value of 80%. In summary, the available evidence is currently insufficient to determine the role of this variant in disease. Therefore, it has been classified as a Variant of Uncertain Significance.

Fulgent Genetics
Classification: Uncertain significance for Thrombophilia due to protein C deficiency, autosomal dominant; Thrombophilia due to protein C deficiency, autosomal recessive. Last evaluated: 2022-01-23. Review status: criteria provided, single submitter. Criteria: ACMG Guidelines, 2015. Collection method: clinical testing. Allele origin: unknown.

Literature cited by the submitters: PubMed 8324221 (cited by Labcorp Genetics (formerly Invitae), Labcorp).